The following is an entry in ClinVar:

ClinVar aggregate classification (germline): Uncertain significance (1 of 4 stars; one submission).

Conditions:
Emery-Dreifuss muscular dystrophy 5, autosomal dominant (EDMD5). Also called: EMERY-DREIFUSS MUSCULAR DYSTROPHY 5. Identifiers: Orphanet 261, MedGen C2751805, MONDO:0013072, OMIM 612999.

Submission:

Labcorp Genetics (formerly Invitae), Labcorp
Classification: Uncertain significance for Emery-Dreifuss muscular dystrophy 5, autosomal dominant. Last evaluated: 2022-07-18. Review status: criteria provided, single submitter. Criteria: Invitae Variant Classification Sherloc (09022015). Collection method: clinical testing. Allele origin: germline.
Comment: This variant is not present in population databases (gnomAD no frequency). In summary, the available evidence is currently insufficient to determine the role of this variant in disease. Therefore, it has been classified as a Variant of Uncertain Significance. Algorithms developed to predict the effect of missense changes on protein structure and function output the following: SIFT: "Tolerated"; PolyPhen-2: "Benign"; Align-GVGD: "Class C0". The lysine amino acid residue is found in multiple mammalian species, which suggests that this missense change does not adversely affect protein function. ClinVar contains an entry for this variant (Variation ID: 842638). This variant has not been reported in the literature in individuals affected with SYNE2-related conditions. This sequence change replaces arginine, which is basic and polar, with lysine, which is basic and polar, at codon 4105 of the SYNE2 protein (p.Arg4105Lys).

NM_182914.3(SYNE2):c.12314G>A (p.Arg4105Lys)

Gene: SYNE2 (spectrin repeat containing nuclear envelope protein 2; plus strand). Cytogenetic location: 14q23.2.
Variant type: single nucleotide variant.
Coding change: c.12314G>A on transcript NM_182914.3 (MANE Select); coding-DNA position 12314, G replaced by A.
Protein change: p.Arg4105Lys; replaces arginine 4105 with lysine.
Molecular consequence: missense variant.
Genome position (GRCh38, 1-based): chr14:64,098,754, G>A. VCF-style: chr14-64098754-G-A. GRCh37 (hg19) VCF-style: chr14-64565472-G-A.
Other names: c.12314G>A, p.Arg4105Lys (NM_015180.6); short protein forms R4105K.
Identifiers: ClinVar variation 842638 (VCV000842638.9), dbSNP rs2097697463, ClinGen allele CA389953156.